The following is an entry in ClinVar:

ClinVar aggregate classification (germline): Uncertain significance (1 of 4 stars; one submission).

Conditions:
Developmental and epileptic encephalopathy 94 (DEE94). Also called: Epileptic encephalopathy, childhood-onset; CHD2-Related Neurodevelopmental Disorders. Identifiers: Orphanet 1942, Orphanet 2382, MedGen C3809278, MONDO:0014150, OMIM 615369.

Submission:

Labcorp Genetics (formerly Invitae), Labcorp
Classification: Uncertain significance for Developmental and epileptic encephalopathy 94. Last evaluated: 2024-04-29. Review status: criteria provided, single submitter. Criteria: Invitae Variant Classification Sherloc (09022015). Collection method: clinical testing. Allele origin: germline.
Comment: This sequence change replaces glycine, which is neutral and non-polar, with arginine, which is basic and polar, at codon 1413 of the CHD2 protein (p.Gly1413Arg). This variant is not present in population databases (gnomAD no frequency). This variant has not been reported in the literature in individuals affected with CHD2-related conditions. Advanced modeling of protein sequence and biophysical properties (such as structural, functional, and spatial information, amino acid conservation, physicochemical variation, residue mobility, and thermodynamic stability) performed at Invitae indicates that this missense variant is not expected to disrupt CHD2 protein function with a negative predictive value of 95%. In summary, the available evidence is currently insufficient to determine the role of this variant in disease. Therefore, it has been classified as a Variant of Uncertain Significance.

NM_001271.4(CHD2):c.4237G>C (p.Gly1413Arg)

Gene: CHD2 (chromodomain helicase DNA binding protein 2; plus strand). Cytogenetic location: 15q26.1.
Variant type: single nucleotide variant.
Coding change: c.4237G>C on transcript NM_001271.4 (MANE Select); coding-DNA position 4237, G replaced by C.
Protein change: p.Gly1413Arg; replaces glycine 1413 with arginine.
Molecular consequence: missense variant.
Genome position (GRCh38, 1-based): chr15:93,002,276, G>C. VCF-style: chr15-93002276-G-C. GRCh37 (hg19) VCF-style: chr15-93545506-G-C.
Other names: short protein forms G1413R.
Identifiers: ClinVar variation 3636688 (VCV003636688.2).